The following is an entry in ClinVar:

NM_001267550.2(TTN):c.17386C>G (p.His5796Asp)

Genes: TTN (titin; minus strand), LOC126806431 (CDK7 strongly-dependent group 2 enhancer GRCh37_chr2:179595719-179596918; plus strand). Cytogenetic location: 2q31.2.
Variant type: single nucleotide variant.
Coding change: c.17386C>G on transcript NM_001267550.2 (MANE Select); coding-DNA position 17386, C replaced by G.
Protein change: p.His5796Asp; replaces histidine 5796 with aspartic acid.
Molecular consequence: missense variant. On other transcripts: intron variant (3).
Genome position (GRCh38, 1-based): chr2:178,731,380, G>C on the plus strand (C>G on the coding strand, the complement: TTN is on the minus strand). VCF-style: chr2-178731380-G-C. GRCh37 (hg19) VCF-style: chr2-179596107-G-C.
Other names: c.13654C>G, p.His4552Asp (NM_133378.4); c.16435C>G, p.His5479Asp (NM_001256850.1); c.13282+6702C>G (NM_003319.4); c.13858+6702C>G (NM_133437.4); c.13657+6702C>G (NM_133432.3); short protein forms H5796D, H4552D, H5479D.
Identifiers: ClinVar variation 46627 (VCV000046627.5), dbSNP rs397517485, ClinGen allele CA138801.

ClinVar aggregate classification (germline): Uncertain significance (1 of 4 stars; one submission).

Allele frequency attached by ClinVar (database versions not stated): gnomAD below 0.00001 and 0.00001; ExAC 0.00003; gnomAD exomes 0.00004.
gnomAD v4.1: 19 of 1,613,596 alleles (0.0012%); highest among the groups gnomAD compares: South Asian, 0.021%; no homozygotes.

Submission:

Laboratory for Molecular Medicine, Mass General Brigham Personalized Medicine
Classification: Uncertain significance. Last evaluated: 2012-08-22. Review status: criteria provided, single submitter. Criteria: LMM Criteria. Collection method: clinical testing. Allele origin: germline. Observed: 1 variant allele.
Comment: The His4552Asp variant in TTN has not been reported in the literature nor previo usly identified in our laboratory. Computational analyses (biochemical amino aci d properties, conservation, PolyPhen2, and SIFT) do not provide strong support f or or against an impact to the protein. Additional information is needed to full y assess the clinical significance of this variant.